The following is an entry in ClinVar:

ClinVar aggregate classification (germline): Uncertain significance (1 of 4 stars; one submission).

Conditions:
Familial focal epilepsy with variable foci (FPEVF). Identifiers: Orphanet 98820, MedGen C1858477, MONDO:0020310.

Allele frequency attached by ClinVar (database versions not stated): gnomAD exomes below 0.00001.
gnomAD v4.1: 1 of 1,614,124 alleles (0.000062%); highest among the groups gnomAD compares: Non-Finnish European, 0.000085%; no homozygotes.

Submission:

Labcorp Genetics (formerly Invitae), Labcorp
Classification: Uncertain significance for Familial focal epilepsy with variable foci. Last evaluated: 2025-09-02. Review status: criteria provided, single submitter. Criteria: Invitae Variant Classification Sherloc (09022015). Collection method: clinical testing. Allele origin: germline.
Comment: This sequence change replaces serine, which is neutral and polar, with arginine, which is basic and polar, at codon 1446 of the DEPDC5 protein (p.Ser1446Arg). This variant is not present in population databases (gnomAD no frequency). This variant has not been reported in the literature in individuals affected with DEPDC5-related conditions. ClinVar contains an entry for this variant (Variation ID: 2858274). Experimental studies and prediction algorithms are not available or were not evaluated, and the functional significance of this variant is currently unknown. Algorithms developed to predict the effect of sequence changes on RNA splicing suggest that this variant may disrupt the consensus splice site. In summary, the available evidence is currently insufficient to determine the role of this variant in disease. Therefore, it has been classified as a Variant of Uncertain Significance.

NM_001242896.3(DEPDC5):c.4338C>G (p.Ser1446Arg)

Gene: DEPDC5 (DEP domain containing 5, GATOR1 subcomplex subunit; plus strand). Cytogenetic location: 22q12.3.
Variant type: single nucleotide variant.
Coding change: c.4338C>G on transcript NM_001242896.3 (MANE Select); coding-DNA position 4338, C replaced by G.
Protein change: p.Ser1446Arg; replaces serine 1446 with arginine.
Molecular consequence: missense variant. On other transcripts: non-coding transcript variant (5).
Genome position (GRCh38, 1-based): chr22:31,897,616, C>G. VCF-style: chr22-31897616-C-G. GRCh37 (hg19) VCF-style: chr22-32293602-C-G.
Other names: c.4311C>G, p.Ser1437Arg (NM_001136029.4); c.4038C>G, p.Ser1346Arg (NM_001242897.2); c.4272C>G, p.Ser1424Arg (NM_001363852.2, NM_001364320.2); c.4104C>G, p.Ser1368Arg (NM_001363854.2, NM_001364319.2); c.4338C>G, p.Ser1446Arg (NM_001364318.2); c.4254C>G, p.Ser1418Arg (NM_001369901.1, NM_001369902.1); c.4245C>G, p.Ser1415Arg (NM_001369903.1, NM_014662.6); short protein forms S1418R, S1424R, S1415R, S1346R, S1437R, S1446R, S1368R.
Identifiers: ClinVar variation 2858274 (VCV002858274.3), dbSNP rs2523318663, ClinGen allele CA411288887.